The following is an entry in ClinVar:

ClinVar aggregate classification (germline): Uncertain significance (1 of 4 stars; one submission).

Submission:

Labcorp Genetics (formerly Invitae), Labcorp
Classification: Uncertain significance. Last evaluated: 2025-10-21. Review status: criteria provided, single submitter. Criteria: Invitae Variant Classification Sherloc (09022015). Collection method: clinical testing. Allele origin: germline.
Comment: This sequence change replaces leucine, which is neutral and non-polar, with phenylalanine, which is neutral and non-polar, at codon 577 of the ADGRE2 protein (p.Leu577Phe). This variant is not present in population databases (gnomAD no frequency). This variant has not been reported in the literature in individuals affected with ADGRE2-related conditions. An algorithm developed to predict the effect of missense changes on protein structure and function (PolyPhen-2) suggests that this variant is likely to be disruptive. In summary, the available evidence is currently insufficient to determine the role of this variant in disease. Therefore, it has been classified as a Variant of Uncertain Significance.

NM_013447.4(ADGRE2):c.1729C>T (p.Leu577Phe)

Gene: ADGRE2 (adhesion G protein-coupled receptor E2; minus strand). Cytogenetic location: 19p13.12.
Variant type: single nucleotide variant.
Coding change: c.1729C>T on transcript NM_013447.4 (MANE Select); coding-DNA position 1729, C replaced by T.
Protein change: p.Leu577Phe; replaces leucine 577 with phenylalanine.
Molecular consequence: missense variant.
Genome position (GRCh38, 1-based): chr19:14,752,388, G>A on the plus strand (C>T on the coding strand, the complement: ADGRE2 is on the minus strand). VCF-style: chr19-14752388-G-A. GRCh37 (hg19) VCF-style: chr19-14863200-G-A.
Other names: c.1555C>T, p.Leu519Phe (NM_001271052.1); c.1582C>T, p.Leu528Phe (NM_152916.2); c.1450C>T, p.Leu484Phe (NM_152917.2); short protein forms L484F, L528F, L519F, L577F.
Identifiers: ClinVar variation 4729303 (VCV004729303.1).